The following is an entry in ClinVar:

ClinVar aggregate classification (germline): Uncertain significance (1 of 4 stars; one submission).

gnomAD v4.1: 7 of 1,612,364 alleles (0.00043%); highest among the groups gnomAD compares: Non-Finnish European, 0.00051%; no homozygotes.

Submission:

Labcorp Genetics (formerly Invitae), Labcorp
Classification: Uncertain significance. Last evaluated: 2025-07-08. Review status: criteria provided, single submitter. Criteria: Invitae Variant Classification Sherloc (09022015). Collection method: clinical testing. Allele origin: germline.
Comment: This sequence change replaces serine, which is neutral and polar, with phenylalanine, which is neutral and non-polar, at codon 187 of the GANAB protein (p.Ser187Phe). This variant is present in population databases (rs773399830, gnomAD 0.002%). This variant has not been reported in the literature in individuals affected with GANAB-related conditions. An algorithm developed to predict the effect of missense changes on protein structure and function (PolyPhen-2) suggests that this variant is likely to be tolerated. In summary, the available evidence is currently insufficient to determine the role of this variant in disease. Therefore, it has been classified as a Variant of Uncertain Significance.

NM_198334.3(GANAB):c.560C>T (p.Ser187Leu)

Gene: GANAB (glucosidase II alpha subunit; minus strand). Cytogenetic location: 11q12.3.
Variant type: single nucleotide variant.
Coding change: c.560C>T on transcript NM_198334.3 (MANE Select); coding-DNA position 560, C replaced by T.
Protein change: p.Ser187Leu; replaces serine 187 with leucine.
Molecular consequence: missense variant. On other transcripts: 5 prime UTR variant (2).
Genome position (GRCh38, 1-based): chr11:62,634,821, G>A on the plus strand (C>T on the coding strand, the complement: GANAB is on the minus strand). VCF-style: chr11-62634821-G-A. GRCh37 (hg19) VCF-style: chr11-62402293-G-A.
Other names: c.218C>T, p.Ser73Phe (NM_001278192.2); c.218C>T, p.Ser73Leu (NM_001278193.2); c.269C>T, p.Ser90Leu (NM_001278194.2, NM_001329222.2, NM_001329223.2); c.-217C>T (NM_001329224.2, NM_001329225.2); c.560C>T, p.Ser187Phe (NM_198335.4); short protein forms S73F, S73L, S187L, S90L, S187F.
Identifiers: ClinVar variation 4779318 (VCV004779318.1).
Genomic context (GRCh38, chr11:62,634,821, plus strand): 5'-TCACAACACCCCTATGCTCTTTCACACTAGGTTCCCTGCAGTCCCAACCCCTGTACTCAC[G>A]AGACCCTAGGGGCCCTCTGATGCTCAAACTCCAAGAGTCCTCGGGCATTGACACTAAGCA-3'
Protein context (NP_938148.1, residues 177-197): EFEHQRAPRV[Ser187Leu]QGSKDPAEGD